The following is an entry in ClinVar:

ClinVar aggregate classification (germline): Uncertain significance (1 of 4 stars; one submission).

Conditions:
Dilated cardiomyopathy 1G (CMD1G). Identifiers: Orphanet 154, MedGen C1858763, MONDO:0011400, OMIM 604145.
Autosomal recessive limb-girdle muscular dystrophy type 2J (LGMDR10). Also called: Limb-girdle muscular dystrophy, type 2J; MUSCULAR DYSTROPHY, LIMB-GIRDLE, AUTOSOMAL RECESSIVE 10. Identifiers: Orphanet 140922, MedGen C1837342, MONDO:0012127, OMIM 608807.

Allele frequency attached by ClinVar (database versions not stated): TOPMed 0.00001.
gnomAD v4.1: 1 of 1,613,876 alleles (0.000062%); highest among the groups gnomAD compares: Admixed American, 0.0017%; no homozygotes.

Submission:

Labcorp Genetics (formerly Invitae), Labcorp
Classification: Uncertain significance for Dilated cardiomyopathy 1G; Autosomal recessive limb-girdle muscular dystrophy type 2J. Last evaluated: 2023-02-19. Review status: criteria provided, single submitter. Criteria: Invitae Variant Classification Sherloc (09022015). Collection method: clinical testing. Allele origin: germline.
Comment: This sequence change replaces alanine, which is neutral and non-polar, with serine, which is neutral and polar, at codon 35785 of the TTN protein (p.Ala35785Ser). This variant is present in population databases (no rsID available, gnomAD 0.003%). In summary, the available evidence is currently insufficient to determine the role of this variant in disease. Therefore, it has been classified as a Variant of Uncertain Significance. This variant is located in the M band of TTN (PMID: 25589632). Variants in this region may be relevant for neuromuscular disorders, but have not been definitively shown to cause cardiomyopathy (PMID: 23975875). Experimental studies and prediction algorithms are not available or were not evaluated, and the functional significance of this variant is currently unknown. This variant has not been reported in the literature in individuals affected with TTN-related conditions.

Literature cited by the submitters: PubMed 25589632; PubMed 23975875.

NM_001267550.2(TTN):c.107353G>T (p.Ala35785Ser)

Genes: TTN (titin; minus strand), TTN-AS1 (TTN antisense RNA 1; plus strand). Cytogenetic location: 2q31.2.
Variant type: single nucleotide variant.
Coding change: c.107353G>T on transcript NM_001267550.2 (MANE Select); coding-DNA position 107353, G replaced by T.
Protein change: p.Ala35785Ser; replaces alanine 35785 with serine.
Molecular consequence: missense variant.
Genome position (GRCh38, 1-based): chr2:178,528,298, C>A on the plus strand (G>T on the coding strand, the complement: TTN is on the minus strand). VCF-style: chr2-178528298-C-A. GRCh37 (hg19) VCF-style: chr2-179393025-C-A.
Other names: c.102430G>T, p.Ala34144Ser (NM_001256850.1); c.80158G>T, p.Ala26720Ser (NM_003319.4); c.99649G>T, p.Ala33217Ser (NM_133378.4); c.80533G>T, p.Ala26845Ser (NM_133432.3); c.80734G>T, p.Ala26912Ser (NM_133437.4); short protein forms A26720S, A34144S, A35785S, A26845S, A26912S, A33217S.
Identifiers: ClinVar variation 2061197 (VCV002061197.4), dbSNP rs1455841939, ClinGen allele CA349401254.
Genomic context (GRCh38, chr2:178,528,298, plus strand): 5'-TAAACATGTAAGGAAGAAGGGTGAGGAGATACTTACGAAGGACCATTAAGGAAGCTGTAG[C>A]TGAACACTGGCCACGGAAATTTTTGGCCTTAATTGTGTACTTTCCACTGTCGCTGACTGA-3'
Protein context (NP_001254479.2, residues 35775-35795): KAKNFRGQCS[Ala35785Ser]TASLMVLPLV